The following is an entry in ClinVar:

NM_021625.5(TRPV4):c.1175G>C (p.Arg392Pro)

Gene: TRPV4 (transient receptor potential cation channel subfamily V member 4; minus strand). Cytogenetic location: 12q24.11.
Variant type: single nucleotide variant.
Coding change: c.1175G>C on transcript NM_021625.5 (MANE Select); coding-DNA position 1175, G replaced by C.
Protein change: p.Arg392Pro; replaces arginine 392 with proline.
Molecular consequence: missense variant. On other transcripts: intron variant (2).
Genome position (GRCh38, 1-based): chr12:109,796,682, C>G on the plus strand (G>C on the coding strand, the complement: TRPV4 is on the minus strand). VCF-style: chr12-109796682-C-G. GRCh37 (hg19) VCF-style: chr12-110234487-C-G.
Other names: c.1073G>C, p.Arg358Pro (NM_001177431.2); c.1011+1932G>C (NM_001177433.1); c.1152+1932G>C (NM_147204.2); c.1034G>C, p.Arg345Pro (NM_001177428.2); short protein forms R392P, R345P, R358P.
Identifiers: ClinVar variation 469034 (VCV000469034.8), dbSNP rs770364304, ClinGen allele CA386653932.

ClinVar aggregate classification (germline): Uncertain significance (1 of 4 stars; one submission).

Conditions:
Charcot-Marie-Tooth disease axonal type 2C (HMSN2C). Also called: CHARCOT-MARIE-TOOTH DISEASE, AXONAL, AUTOSOMAL DOMINANT, TYPE 2C; Charcot-Marie-Tooth Neuropathy Type 2C; Charcot-Marie-Tooth Disease Type 2, TRPV4-Related (CMT2C). Identifiers: Orphanet 99937, MedGen C1853710, MONDO:0011633, OMIM 606071.

gnomAD v4.1: 9 of 1,613,124 alleles (0.00056%); highest among the groups gnomAD compares: Non-Finnish European, 0.00076%; no homozygotes.

Submission:

Labcorp Genetics (formerly Invitae), Labcorp
Classification: Uncertain significance for Charcot-Marie-Tooth disease axonal type 2C. Last evaluated: 2023-09-28. Review status: criteria provided, single submitter. Criteria: Invitae Variant Classification Sherloc (09022015). Collection method: clinical testing. Allele origin: germline.
Comment: This sequence change replaces arginine, which is basic and polar, with proline, which is neutral and non-polar, at codon 392 of the TRPV4 protein (p.Arg392Pro). This variant is present in population databases (no rsID available, gnomAD 0.0009%). This variant has not been reported in the literature in individuals affected with TRPV4-related conditions. ClinVar contains an entry for this variant (Variation ID: 469034). Advanced modeling of protein sequence and biophysical properties (such as structural, functional, and spatial information, amino acid conservation, physicochemical variation, residue mobility, and thermodynamic stability) performed at Invitae indicates that this missense variant is expected to disrupt TRPV4 protein function. In summary, the available evidence is currently insufficient to determine the role of this variant in disease. Therefore, it has been classified as a Variant of Uncertain Significance.